The following is an entry in ClinVar:

NM_000257.4(MYH7):c.5560-288C>T

Gene: MYH7 (myosin heavy chain 7; minus strand). Cytogenetic location: 14q11.2.
Variant type: single nucleotide variant.
Coding change: c.5560-288C>T on transcript NM_000257.4 (MANE Select); 288 bases into the intron before coding-DNA position 5560, C replaced by T.
Molecular consequence: intron variant.
Genome position (GRCh38, 1-based): chr14:23,414,390, G>A on the plus strand (C>T on the coding strand, the complement: MYH7 is on the minus strand). VCF-style: chr14-23414390-G-A. GRCh37 (hg19) VCF-style: chr14-23883599-G-A.
Identifiers: ClinVar variation 680659 (VCV000680659.1), dbSNP rs765021, ClinGen allele CA13974487.

ClinVar aggregate classification (germline): Benign (1 of 4 stars; one submission).

Allele frequency attached by ClinVar (database versions not stated): 1000 Genomes Project 0.35084; 1000 Genomes Project 30x 0.35806; gnomAD 0.42167 and 0.43719; TOPMed 0.42857.
gnomAD v4.1: 64,041 of 151,904 alleles (42%); highest among the groups gnomAD compares: African/African-American, 68%; 15,673 homozygotes.

Submission:

GeneDx
Classification: Benign. Last evaluated: 2018-06-14. Review status: criteria provided, single submitter. Criteria: GeneDx Variant Classification (06012015). Collection method: clinical testing. Allele origin: germline. Affected: yes.
Comment: This variant is considered likely benign or benign based on one or more of the following criteria: it is a conservative change, it occurs at a poorly conserved position in the protein, it is predicted to be benign by multiple in silico algorithms, and/or has population frequency not consistent with disease.